The following is an entry in ClinVar:

NM_001142800.2(EYS):c.6192-1G>T

Gene: EYS (EGF-like photoreceptor maintenance factor; minus strand). Cytogenetic location: 6q12.
Variant type: single nucleotide variant.
Coding change: c.6192-1G>T on transcript NM_001142800.2 (MANE Select); the canonical splice acceptor site of the intron before coding-DNA position 6192, G replaced by T.
Molecular consequence: splice acceptor variant.
Genome position (GRCh38, 1-based): chr6:64,230,825, C>A on the plus strand (G>T on the coding strand, the complement: EYS is on the minus strand). VCF-style: chr6-64230825-C-A. GRCh37 (hg19) VCF-style: chr6-64940718-C-A.
Other names: c.6192-1G>T (NM_001292009.2).
Identifiers: ClinVar variation 961276 (VCV000961276.16), dbSNP rs570020451, ClinGen allele CA3876934.
Genomic context (GRCh38, chr6:64,230,825, plus strand): 5'-TGTGTCACATCAGAAGCATCAACAAAGGAGGCTGTTGGAGACAGCATAAATCCCTGGGAT[C>A]TGTGATTTATAAACAGACAAGAAAACAAAATATAAGTAAAAGCACTAGGAACATAAATAG-3'

ClinVar aggregate classification (germline): Pathogenic/Likely pathogenic. Review status: criteria provided, multiple submitters, no conflicts (2 of 4 stars). 5 submissions from 5 submitters: Pathogenic (2); Likely pathogenic (3). Last evaluated 2024-11-21.

Conditions:
Retinitis pigmentosa 25 (RP25). Identifiers: Orphanet 791, MedGen C1864446, MONDO:0011272, OMIM 602772.
EYS-related disorder. Also called: EYS-related condition.

Allele frequency attached by ClinVar (database versions not stated): 1000 Genomes Project 30x 0.00016; 1000 Genomes Project 0.00020; gnomAD 0.00001; gnomAD exomes 0.00002; ExAC 0.00006.
gnomAD v4.1: 5 of 1,525,818 alleles (0.00033%); highest among the groups gnomAD compares: South Asian, 0.0036%; no homozygotes.

Submissions (5):

Natera, Inc.
Classification: Pathogenic for Retinitis pigmentosa type 25. Last evaluated: 2024-11-21. Review status: criteria provided, single submitter. Criteria: Natera Variant Classification Schema (03/2026). Collection method: clinical testing. Allele origin: germline.
Comment: The c.6192-1G>T variant in EYS is a canonical splice acceptor site variant predicted to affect pre-mRNA splicing, which may result in an abnormal transcript and altered protein product. This variant is expected to result in nonsense mediated decay, truncation, or a dysfunctional protein product. This variant is rare in the general population with a frequency below the threshold expected for the associated phenotype(s). This variant has been observed in one or more individuals affected with the associated recessive disease, as either homozygous or compound heterozygous with a second variant (PMID: 37322672). Additionally, this variant has been observed to segregate in affected family members (PMID: 37322672). Given the available evidence, this variant is classified as Pathogenic.

Labcorp Genetics (formerly Invitae), Labcorp
Classification: Likely pathogenic. Last evaluated: 2024-11-07. Review status: criteria provided, single submitter. Criteria: Invitae Variant Classification Sherloc (09022015). Collection method: clinical testing. Allele origin: germline.
Comment: This sequence change affects an acceptor splice site in intron 30 of the EYS gene. It is expected to disrupt RNA splicing. Variants that disrupt the donor or acceptor splice site typically lead to a loss of protein function (PMID: 16199547), and loss-of-function variants in EYS are known to be pathogenic (PMID: 18836446, 20333770). This variant is present in population databases (rs570020451, gnomAD 0.009%). Disruption of this splice site has been observed in individual(s) with clinical features of EYS-related conditions (internal data). ClinVar contains an entry for this variant (Variation ID: 961276). Algorithms developed to predict the effect of sequence changes on RNA splicing suggest that this variant may disrupt the consensus splice site. In summary, the currently available evidence indicates that the variant is pathogenic, but additional data are needed to prove that conclusively. Therefore, this variant has been classified as Likely Pathogenic.

Baylor Genetics
Classification: Pathogenic for Retinitis pigmentosa 25. Last evaluated: 2024-03-28. Review status: criteria provided, single submitter. Criteria: ACMG Guidelines, 2015. Collection method: clinical testing. Allele origin: unknown.

Revvity Omics, Revvity
Classification: Likely pathogenic for Retinitis pigmentosa 25. Last evaluated: 2022-09-21. Review status: criteria provided, single submitter. Criteria: ACMG Guidelines, 2015. Collection method: clinical testing. Allele origin: germline.

Blueprint Genetics
Classification: Likely pathogenic for EYS-related disorders. Last evaluated: 2021-12-14. Review status: criteria provided, single submitter. Criteria: ACMG Guidelines, 2015. Collection method: clinical testing. Allele origin: germline. Affected: yes. Observed: 4 variant alleles.

Literature cited by the submitters: PubMed 37322672 (cited by Natera, Inc.); PubMed 16199547 (cited by Labcorp Genetics (formerly Invitae), Labcorp); PubMed 18836446 (cited by Labcorp Genetics (formerly Invitae), Labcorp); PubMed 20333770 (cited by Labcorp Genetics (formerly Invitae), Labcorp).